The following is an entry in ClinVar:

NM_000165.5(GJA1):c.875A>T (p.Asp292Val)

Gene: GJA1 (gap junction protein alpha 1; plus strand). Cytogenetic location: 6q22.31.
Variant type: single nucleotide variant.
Coding change: c.875A>T on transcript NM_000165.5 (MANE Select); coding-DNA position 875, A replaced by T.
Protein change: p.Asp292Val; replaces aspartic acid 292 with valine.
Molecular consequence: missense variant.
Genome position (GRCh38, 1-based): chr6:121,447,722, A>T. VCF-style: chr6-121447722-A-T. GRCh37 (hg19) VCF-style: chr6-121768868-A-T.
Other names: c.875A>T (NM_000165.3); short protein forms D292V.
Identifiers: ClinVar variation 2731418 (VCV002731418.4), dbSNP rs1234957832, ClinGen allele CA365559961.

ClinVar aggregate classification (germline): Uncertain significance. Review status: criteria provided, multiple submitters, no conflicts (2 of 4 stars). 2 submissions from 2 submitters: Uncertain significance (2). Last evaluated 2024-12-24.

Conditions:
Inborn genetic diseases. Identifiers: MedGen C0950123, MeSH D030342.
Oculodentodigital dysplasia, autosomal recessive. Also called: OCULODENTOOSSEOUS DYSPLASIA, AUTOSOMAL RECESSIVE; ODDD, AUTOSOMAL RECESSIVE; ODOD, AUTOSOMAL RECESSIVE. Identifiers: Orphanet 2710, MedGen C2749477, MONDO:0009768, OMIM 257850.

Allele frequency attached by ClinVar (database versions not stated): TOPMed below 0.00001.

Submissions (2):

Ambry Genetics
Classification: Uncertain significance for Inborn genetic diseases. Last evaluated: 2024-12-24. Review status: criteria provided, single submitter. Criteria: Ambry Variant Classification Scheme 2023. Collection method: clinical testing. Allele origin: germline.

Labcorp Genetics (formerly Invitae), Labcorp
Classification: Uncertain significance for Oculodentodigital dysplasia, autosomal recessive. Last evaluated: 2024-11-09. Review status: criteria provided, single submitter. Criteria: Invitae Variant Classification Sherloc (09022015). Collection method: clinical testing. Allele origin: germline.
Comment: This sequence change replaces aspartic acid, which is acidic and polar, with valine, which is neutral and non-polar, at codon 292 of the GJA1 protein (p.Asp292Val). This variant is not present in population databases (gnomAD no frequency). This variant has not been reported in the literature in individuals affected with GJA1-related conditions. ClinVar contains an entry for this variant (Variation ID: 2731418). Invitae Evidence Modeling of protein sequence and biophysical properties (such as structural, functional, and spatial information, amino acid conservation, physicochemical variation, residue mobility, and thermodynamic stability) has been performed for this missense variant. However, the output from this modeling did not meet the statistical confidence thresholds required to predict the impact of this variant on GJA1 protein function. In summary, the available evidence is currently insufficient to determine the role of this variant in disease. Therefore, it has been classified as a Variant of Uncertain Significance.